The following is an entry in ClinVar:

ClinVar aggregate classification (germline): Uncertain significance (1 of 4 stars; one submission).

Conditions:
Metachromatic leukodystrophy (MLD). Also called: ARSA DEFICIENCY; CEREBROSIDE SULFATASE DEFICIENCY; METACHROMATIC LEUKOENCEPHALOPATHY; SULFATIDE LIPIDOSIS; Cerebral sclerosis diffuse metachromatic form; Arylsulfatase A Deficiency. Identifiers: Orphanet 512, MedGen C0023522, MONDO:0018868, OMIM 250100.

gnomAD v4.1: 6 of 1,593,712 alleles (0.00038%); highest among the groups gnomAD compares: African/African-American, 0.0054%; no homozygotes.

Submission:

Labcorp Genetics (formerly Invitae), Labcorp
Classification: Uncertain significance for Metachromatic leukodystrophy. Last evaluated: 2021-10-08. Review status: criteria provided, single submitter. Criteria: Invitae Variant Classification Sherloc (09022015). Collection method: clinical testing. Allele origin: germline.
Comment: This sequence change replaces arginine with serine at codon 498 of the ARSA protein (p.Arg498Ser). The arginine residue is weakly conserved and there is a moderate physicochemical difference between arginine and serine. This variant is not present in population databases (ExAC no frequency). This variant has not been reported in the literature in individuals with ARSA-related conditions. Algorithms developed to predict the effect of missense changes on protein structure and function (SIFT, PolyPhen-2, Align-GVGD) all suggest that this variant is likely to be tolerated, but these predictions have not been confirmed by published functional studies and their clinical significance is uncertain. Algorithms developed to predict the effect of sequence changes on RNA splicing suggest that this variant may create or strengthen a splice site, but this prediction has not been confirmed by published transcriptional studies. In summary, the available evidence is currently insufficient to determine the role of this variant in disease. Therefore, it has been classified as a Variant of Uncertain Significance.

NM_000487.6(ARSA):c.1492C>A (p.Arg498Ser)

Gene: ARSA (arylsulfatase A; minus strand). Cytogenetic location: 22q13.33.
Variant type: single nucleotide variant.
Coding change: c.1492C>A on transcript NM_000487.6 (MANE Select); coding-DNA position 1492, C replaced by A.
Protein change: p.Arg498Ser; replaces arginine 498 with serine.
Molecular consequence: missense variant.
Genome position (GRCh38, 1-based): chr22:50,625,183, G>T on the plus strand (C>A on the coding strand, the complement: ARSA is on the minus strand). VCF-style: chr22-50625183-G-T. GRCh37 (hg19) VCF-style: chr22-51063611-G-T.
Other names: c.1492C>A, p.Arg498Ser (NM_001085425.3, NM_001085426.3, NM_001085427.3); c.1234C>A, p.Arg412Ser (NM_001085428.3, NM_001362782.2); short protein forms R412S, R498S.
Identifiers: ClinVar variation 1964710 (VCV001964710.2), dbSNP rs878992768, ClinGen allele CA412166875.